The following is an entry in ClinVar:

ClinVar aggregate classification (germline): Uncertain significance (1 of 4 stars; one submission).

Conditions:
Monogenic diabetes. Identifiers: Orphanet 183625, MedGen C3888631, MONDO:0015967.

Allele frequency attached by ClinVar (database versions not stated): gnomAD 0.00001; TOPMed 0.00001.

Submission:

Personalized Diabetes Medicine Program, University of Maryland School of Medicine
Classification: Uncertain significance for Monogenic diabetes. Last evaluated: 2018-03-16. Review status: criteria provided, single submitter. Criteria: ACMG Guidelines, 2015. Collection method: research. Allele origin: unknown. Observed: 1 variant allele, 1 heterozygote.
Comment: ACMG criteria: PP3 (8 predictors), PM2 (absent db), BP5 (alternate cause)=VUS

NM_001122955.4(BSCL2):c.969G>T (p.Trp323Cys)

Genes: BSCL2 (BSCL2 lipid droplet biogenesis associated, seipin; minus strand), HNRNPUL2-BSCL2 (HNRNPUL2-BSCL2 readthrough (NMD candidate); minus strand). Cytogenetic location: 11q12.3.
Variant type: single nucleotide variant.
Coding change: c.969G>T on transcript NM_001122955.4 (MANE Select); coding-DNA position 969, G replaced by T.
Protein change: p.Trp323Cys; replaces tryptophan 323 with cysteine.
Molecular consequence: missense variant. On other transcripts: non-coding transcript variant (1), intron variant (1).
Genome position (GRCh38, 1-based): chr11:62,691,316, C>A on the plus strand (G>T on the coding strand, the complement: BSCL2 is on the minus strand). VCF-style: chr11-62691316-C-A. GRCh37 (hg19) VCF-style: chr11-62458788-C-A.
Other names: c.969G>T, p.Trp323Cys (NM_001386027.1, NM_001386028.1); c.777G>T, p.Trp259Cys (NM_032667.6); c.672-175G>T (NM_001130702.2); short protein forms W259C, W323C.
Identifiers: ClinVar variation 917426 (VCV000917426.1), dbSNP rs1444410995, ClinGen allele CA380959369.